The following is an entry in ClinVar:

ClinVar aggregate classification (germline): Uncertain significance (1 of 4 stars; one submission).

Allele frequency attached by ClinVar (database versions not stated): gnomAD exomes 0.00001; TOPMed below 0.00001; ExAC 0.00003; gnomAD 0.00001; ESP Exome Variant Server 0.00008.
gnomAD v4.1: 12 of 1,613,466 alleles (0.00074%); highest among the groups gnomAD compares: Admixed American, 0.0017%; no homozygotes.

Submission:

Labcorp Genetics (formerly Invitae), Labcorp
Classification: Uncertain significance. Last evaluated: 2025-02-20. Review status: criteria provided, single submitter. Criteria: Invitae Variant Classification Sherloc (09022015). Collection method: clinical testing. Allele origin: germline.
Comment: This sequence change replaces valine, which is neutral and non-polar, with methionine, which is neutral and non-polar, at codon 459 of the TBCD protein (p.Val459Met). This variant is present in population databases (rs374149751, gnomAD 0.003%). This variant has not been reported in the literature in individuals affected with TBCD-related conditions. ClinVar contains an entry for this variant (Variation ID: 2729812). Invitae Evidence Modeling of protein sequence and biophysical properties (such as structural, functional, and spatial information, amino acid conservation, physicochemical variation, residue mobility, and thermodynamic stability) has been performed for this missense variant. However, the output from this modeling did not meet the statistical confidence thresholds required to predict the impact of this variant on TBCD protein function. In summary, the available evidence is currently insufficient to determine the role of this variant in disease. Therefore, it has been classified as a Variant of Uncertain Significance.

NM_005993.5(TBCD):c.1375G>A (p.Val459Met)

Gene: TBCD (tubulin folding cofactor D). Cytogenetic location: 17q25.3.
Variant type: single nucleotide variant.
Coding change: c.1375G>A on transcript NM_005993.5 (MANE Select); coding-DNA position 1375, G replaced by A.
Protein change: p.Val459Met; replaces valine 459 with methionine.
Molecular consequence: missense variant.
Genome position (GRCh38, 1-based): chr17:82,870,280, G>A. VCF-style: chr17-82870280-G-A. GRCh37 (hg19) VCF-style: chr17-80828156-G-A.
Other names: c.1324G>A, p.Val442Met (NM_001411101.1); c.1375G>A, p.Val459Met (NM_001411102.1); short protein forms V442M, V459M.
Identifiers: ClinVar variation 2729812 (VCV002729812.3), dbSNP rs374149751, ClinGen allele CA8862544.
Genomic context (GRCh38, chr17:82,870,280, plus strand): 5'-CCAGTTGTCGCCGTGATCCTGAAGGCGCTGACCTACGACGAGAAGCGGGGTGCCTGCAGC[G>A]TGGGCACCAACGTCAGGGACGCCGCCTGCTACGTGTGCTGGGCCTTCGCGCGTGCCTATG-3'
Protein context (NP_005984.3, residues 449-469): TYDEKRGACS[Val459Met]GTNVRDAACY